The following is an entry in ClinVar:

NC_000004.11:g.(?_73939092)_(74043251_74123992)dup

Gene: ANKRD17 (ankyrin repeat domain 17; minus strand). Cytogenetic location: 4q13.3.
Variant type: Duplication.
Identifiers: ClinVar variation 4688726 (VCV004688726.1).

ClinVar aggregate classification (germline): Uncertain significance (1 of 4 stars; one submission).

Submission:

Women's Health and Genetics/Laboratory Corporation of America, LabCorp
Classification: Uncertain significance. Last evaluated: 2025-12-31. Review status: criteria provided, single submitter. Criteria: LabCorp Variant Classification Summary - May 2015. Collection method: clinical testing. Allele origin: germline.
Comment: Variant summary: The variant involves the duplication of exons 2-34 in the ANKRD17 gene. A presumed nomenclature of c.(393+1_394-1)_(*2856_?)dup has been designated for the purposes of this classification. The exact breakpoint at the 3' end of this variant is unknown, therefore this duplication may extend downstream of the annotated region of the gene. As it duplicates the termination codon, its effect on the encoded protein is unknown. The variant was absent in 120780 control chromosomes in the gnomAD database (Structural Variants v4.1 dataset). The available data on variant occurrences in the general population are insufficient to allow any conclusion about variant significance. To our knowledge, no occurrence of c.(393+1_394-1)_(*2856_?)dup in individuals affected with ANKRD17-related conditions and no experimental evidence demonstrating its impact on protein function have been reported. No submitters have cited clinical-significance assessments for this variant to ClinVar. Based on the evidence outlined above, the variant was classified as uncertain significance.